The following is an entry in ClinVar:

NM_139027.6(ADAMTS13):c.2611-7C>T

Gene: ADAMTS13 (ADAM metallopeptidase with thrombospondin type 1 motif 13; plus strand). Cytogenetic location: 9q34.2.
Variant type: single nucleotide variant.
Coding change: c.2611-7C>T on transcript NM_139027.6 (MANE Select); 7 bases into the intron before coding-DNA position 2611, C replaced by T.
Molecular consequence: intron variant.
Genome position (GRCh38, 1-based): chr9:133,445,692, C>T. VCF-style: chr9-133445692-C-T. GRCh37 (hg19) VCF-style: chr9-136310813-C-T.
Other names: c.2611-7C>T (NM_139025.5); c.2518-7C>T (NM_139026.6).
Identifiers: ClinVar variation 3356116 (VCV003356116.2).

ClinVar aggregate classification (germline): Likely benign. Review status: criteria provided, single submitter (1 of 4 stars). 2 submissions from 2 submitters: Likely benign (1). 1 of the submissions does not count toward it. Last evaluated 2025-04-17.

Conditions:
ADAMTS13-related disorder. Also called: ADAMTS13-related condition.

Submissions (2):

Labcorp Genetics (formerly Invitae), Labcorp
Classification: Likely benign. Last evaluated: 2025-04-17. Review status: criteria provided, single submitter. Criteria: Invitae Variant Classification Sherloc (09022015). Collection method: clinical testing. Allele origin: germline.

PreventionGenetics, part of Exact Sciences
Classification: Likely benign for ADAMTS13-related condition. Last evaluated: 2024-06-29. Review status: no assertion criteria provided. Collection method: clinical testing. Allele origin: germline. Not counted in ClinVar's aggregate classification.
Comment: This variant is classified as likely benign based on ACMG/AMP sequence variant interpretation guidelines (Richards et al. 2015 PMID: 25741868, with internal and published modifications).